The following is an entry in ClinVar:

ClinVar aggregate classification (germline): Uncertain significance. Review status: criteria provided, single submitter (1 of 4 stars). 2 submissions from 2 submitters: Uncertain significance (1). 1 of the submissions does not count toward it. Last evaluated 2024-10-26.

Conditions:
FAT4-related disorder. Also called: FAT4-related condition.

Allele frequency attached by ClinVar (database versions not stated): gnomAD exomes below 0.00001; TOPMed below 0.00001; gnomAD 0.00001.
gnomAD v4.1: 2 of 1,613,798 alleles (0.00012%); highest among the groups gnomAD compares: Admixed American, 0.0033%; no homozygotes.

Submissions (2):

Labcorp Genetics (formerly Invitae), Labcorp
Classification: Uncertain significance. Last evaluated: 2024-10-26. Review status: criteria provided, single submitter. Criteria: Invitae Variant Classification Sherloc (09022015). Collection method: clinical testing. Allele origin: germline.
Comment: This sequence change replaces glycine, which is neutral and non-polar, with arginine, which is basic and polar, at codon 42 of the FAT4 protein (p.Gly42Arg). This variant is present in population databases (no rsID available, gnomAD 0.003%). This variant has not been reported in the literature in individuals affected with FAT4-related conditions. ClinVar contains an entry for this variant (Variation ID: 1987189). Invitae Evidence Modeling of protein sequence and biophysical properties (such as structural, functional, and spatial information, amino acid conservation, physicochemical variation, residue mobility, and thermodynamic stability) indicates that this missense variant is not expected to disrupt FAT4 protein function with a negative predictive value of 95%. In summary, the available evidence is currently insufficient to determine the role of this variant in disease. Therefore, it has been classified as a Variant of Uncertain Significance.

PreventionGenetics, part of Exact Sciences
Classification: Uncertain significance for FAT4-related condition. Last evaluated: 2024-06-03. Review status: no assertion criteria provided. Collection method: clinical testing. Allele origin: germline. Not counted in ClinVar's aggregate classification.
Comment: The FAT4 c.124G>C variant is predicted to result in the amino acid substitution p.Gly42Arg. To our knowledge, this variant has not been reported in the literature. This variant is reported in 0.0029% of alleles in individuals of Latino descent in gnomAD. At this time, the clinical significance of this variant is uncertain due to the absence of conclusive functional and genetic evidence.

NM_001291303.3(FAT4):c.124G>C (p.Gly42Arg)

Gene: FAT4 (FAT atypical cadherin 4; plus strand). Cytogenetic location: 4q28.1.
Variant type: single nucleotide variant.
Coding change: c.124G>C on transcript NM_001291303.3 (MANE Select); coding-DNA position 124, G replaced by C.
Protein change: p.Gly42Arg; replaces glycine 42 with arginine.
Molecular consequence: missense variant.
Genome position (GRCh38, 1-based): chr4:125,316,535, G>C. VCF-style: chr4-125316535-G-C. GRCh37 (hg19) VCF-style: chr4-126237690-G-C.
Other names: c.124G>C, p.Gly42Arg (NM_001291285.3, NM_024582.6); c.124G>C (NM_024582.4); short protein forms G42R.
Identifiers: ClinVar variation 1987189 (VCV001987189.4), dbSNP rs776704293, ClinGen allele CA358115151.
Genomic context (GRCh38, chr4:125,316,535, plus strand): 5'-TCTCAGCTCCTTCGAGTGTTTTGGCTACTGTCATTGCTTCCGGGGCAGGCCTGGGTCCAC[G>C]GGGCCGAGCCGCGCCAGGTGTTCCAAGTGCTGGAAGAGCAACCTCCAGGCACTCTGGTAG-3'
Protein context (NP_001278232.1, residues 32-52): SLLPGQAWVH[Gly42Arg]AEPRQVFQVL